The following is an entry in ClinVar:

ClinVar aggregate classification (germline): Uncertain significance (1 of 4 stars; one submission).

Conditions:
Osteogenesis imperfecta type I (OI1). Also called: OI, TYPE I; OSTEOGENESIS IMPERFECTA TARDA; OSTEOGENESIS IMPERFECTA WITH BLUE SCLERAE; Lobstein's Disease; Osteogenesis imperfecta type 1; Classic Non-deforming Osteogenesis Imperfecta with Blue Sclerae. Identifiers: Orphanet 216796, Orphanet 666, MedGen C0023931, MONDO:0008146, OMIM 166200. Disease mechanism: loss of function.

Submission:

Labcorp Genetics (formerly Invitae), Labcorp
Classification: Uncertain significance for Osteogenesis imperfecta type I. Last evaluated: 2025-04-02. Review status: criteria provided, single submitter. Criteria: Invitae Variant Classification Sherloc (09022015). Collection method: clinical testing. Allele origin: germline.
Comment: This sequence change replaces proline, which is neutral and non-polar, with histidine, which is basic and polar, at codon 193 of the COL1A1 protein (p.Pro193His). This variant is not present in population databases (gnomAD no frequency). This variant has not been reported in the literature in individuals affected with COL1A1-related conditions. Invitae Evidence Modeling of protein sequence and biophysical properties (such as structural, functional, and spatial information, amino acid conservation, physicochemical variation, residue mobility, and thermodynamic stability) indicates that this missense variant is expected to disrupt COL1A1 protein function with a positive predictive value of 95%. In summary, the available evidence is currently insufficient to determine the role of this variant in disease. Therefore, it has been classified as a Variant of Uncertain Significance.

NM_000088.4(COL1A1):c.578C>A (p.Pro193His)

Gene: COL1A1 (collagen type I alpha 1 chain; minus strand). Cytogenetic location: 17q21.33.
Variant type: single nucleotide variant.
Coding change: c.578C>A on transcript NM_000088.4 (MANE Select); coding-DNA position 578, C replaced by A.
Protein change: p.Pro193His; replaces proline 193 with histidine.
Molecular consequence: missense variant.
Genome position (GRCh38, 1-based): chr17:50,198,171, G>T on the plus strand (C>A on the coding strand, the complement: COL1A1 is on the minus strand). VCF-style: chr17-50198171-G-T. GRCh37 (hg19) VCF-style: chr17-48275532-G-T.
Other names: short protein forms P193H.
Identifiers: ClinVar variation 4800900 (VCV004800900.1).